The following is an entry in ClinVar:

NM_001363711.2(DUOX2):c.192T>C (p.Asn64=)

Gene: DUOX2 (dual oxidase 2; minus strand). Cytogenetic location: 15q21.1.
Variant type: single nucleotide variant.
Coding change: c.192T>C on transcript NM_001363711.2 (MANE Select); coding-DNA position 192, T replaced by C.
Protein change: p.Asn64=; no amino-acid change (asparagine 64 retained).
Molecular consequence: synonymous variant.
Genome position (GRCh38, 1-based): chr15:45,112,687, A>G on the plus strand (T>C on the coding strand, the complement: DUOX2 is on the minus strand). VCF-style: chr15-45112687-A-G. GRCh37 (hg19) VCF-style: chr15-45404885-A-G.
Other names: c.192T>C (NM_014080.4); c.192T>C, p.Asn64= (NM_014080.5).
Identifiers: ClinVar variation 1649724 (VCV001649724.23), dbSNP rs112584857, ClinGen allele CA7539076.

ClinVar aggregate classification (germline): Likely benign. Review status: criteria provided, multiple submitters, no conflicts (2 of 4 stars). 3 submissions from 3 submitters: Likely benign (2). 1 of the submissions does not count toward it. Last evaluated 2026-01-30.

Conditions:
DUOX2-related disorder. Also called: DUOX2-related condition.

Allele frequency attached by ClinVar (database versions not stated): ExAC 0.00001; gnomAD exomes 0.00001 and 0.00003; TOPMed 0.00003; gnomAD 0.00004.
gnomAD v4.1: 56 of 1,612,548 alleles (0.0035%); highest among the groups gnomAD compares: African/African-American, 0.051%; 1 homozygote.

Submissions (3):

Labcorp Genetics (formerly Invitae), Labcorp
Classification: Likely benign. Last evaluated: 2026-01-30. Review status: criteria provided, single submitter. Criteria: Invitae Variant Classification Sherloc (09022015). Collection method: clinical testing. Allele origin: germline.

CeGaT Center for Human Genetics Tuebingen
Classification: Likely benign. Last evaluated: 2025-02-01. Review status: criteria provided, single submitter. Criteria: CeGaT Center For Human Genetics Tuebingen Variant Classification Criteria Version 2. Collection method: clinical testing. Allele origin: germline. Affected: yes. Observed: 1 variant allele.
Comment: DUOX2: BP4, BP7

PreventionGenetics, part of Exact Sciences
Classification: Likely benign for DUOX2-related condition. Last evaluated: 2019-05-20. Review status: no assertion criteria provided. Collection method: clinical testing. Allele origin: germline. Not counted in ClinVar's aggregate classification.
Comment: This variant is classified as likely benign based on ACMG/AMP sequence variant interpretation guidelines (Richards et al. 2015 PMID: 25741868, with internal and published modifications).